The following is an entry in ClinVar:

ClinVar aggregate classification (germline): Likely benign. Review status: criteria provided, multiple submitters, no conflicts (2 of 4 stars). 2 submissions from 2 submitters: Likely benign (2). Last evaluated 2018-06-14.

Allele frequency attached by ClinVar (database versions not stated): gnomAD exomes 0.00072; gnomAD 0.00466 and 0.00499; 1000 Genomes Project 30x 0.00531; TOPMed 0.00536; 1000 Genomes Project 0.00539.
gnomAD v4.1: 1,189 of 812,006 alleles (0.15%); highest among the groups gnomAD compares: African/African-American, 1.6%; 5 homozygotes.

Submissions (2):

GeneDx
Classification: Likely benign. Last evaluated: 2018-06-14. Review status: criteria provided, single submitter. Criteria: GeneDx Variant Classification (06012015). Collection method: clinical testing. Allele origin: germline. Affected: yes.
Comment: This variant is considered likely benign or benign based on one or more of the following criteria: it is a conservative change, it occurs at a poorly conserved position in the protein, it is predicted to be benign by multiple in silico algorithms, and/or has population frequency not consistent with disease.

Breakthrough Genomics
Classification: Likely benign. Review status: criteria provided, single submitter. Criteria: ACMG Guidelines, 2015. Collection method: not provided. Allele origin: germline. Inheritance: Autosomal dominant inheritance. Affected: yes.

NM_001127222.2(CACNA1A):c.785-93G>A

Gene: CACNA1A (calcium voltage-gated channel subunit alpha1 A; minus strand). Cytogenetic location: 19p13.13.
Variant type: single nucleotide variant.
Coding change: c.785-93G>A on transcript NM_001127222.2 (MANE Select); 93 bases into the intron before coding-DNA position 785, G replaced by A.
Molecular consequence: intron variant.
Genome position (GRCh38, 1-based): chr19:13,359,892, C>T on the plus strand (G>A on the coding strand, the complement: CACNA1A is on the minus strand). VCF-style: chr19-13359892-C-T. GRCh37 (hg19) VCF-style: chr19-13470706-C-T.
Other names: c.785-93G>A (NM_001127221.2, NM_001174080.2, NM_000068.4 and 1 more transcripts).
Identifiers: ClinVar variation 678232 (VCV000678232.2), dbSNP rs114966988, ClinGen allele CA305554921.